The following is an entry in ClinVar:

NM_004447.6(EPS8):c.462del (p.Glu155fs)

Gene: EPS8 (EGFR pathway substrate 8, signaling adaptor; minus strand). Cytogenetic location: 12p12.3.
Variant type: Deletion.
Coding change: c.462del on transcript NM_004447.6 (MANE Select); coding-DNA position 462, one base deleted (A; older notation c.462delA).
Protein change: p.Glu155fs; shifts the reading frame from glutamic acid 155.
Molecular consequence: frameshift variant.
Genome position (GRCh38, 1-based): chr12:15,669,441, T deleted on the plus strand (A on the coding strand, the reverse complement: EPS8 is on the minus strand); the first of 3 consecutive T bases (chr12:15,669,441-15,669,443); deleting any one gives the same sequence. VCF-style (leftmost placement, unchanged base first): chr12-15669440-CT-C. GRCh37 (hg19) VCF-style: chr12-15822374-CT-C.
Other names: short protein forms E155fs.
Identifiers: ClinVar variation 1214371 (VCV001214371.3), dbSNP rs2135847098, ClinGen allele CA2499221573.

ClinVar aggregate classification (germline): Pathogenic (1 of 4 stars; one submission).

Submission:

GeneDx
Classification: Pathogenic. Last evaluated: 2019-08-23. Review status: criteria provided, single submitter. Criteria: GeneDx Variant Classification Process June 2021. Collection method: clinical testing. Allele origin: germline. Affected: yes.
Comment: Frameshift variant predicted to result in protein truncation or nonsense mediated decay in a gene for which loss-of-function is a known mechanism of disease; Not observed in large population cohorts (Lek et al., 2016); Has not been previously published as pathogenic or benign to our knowledge